The following is an entry in ClinVar:

NM_001203.3(BMPR1B):c.779G>T (p.Gly260Val)

Gene: BMPR1B (bone morphogenetic protein receptor type 1B; plus strand). Cytogenetic location: 4q22.3.
Variant type: single nucleotide variant.
Coding change: c.779G>T on transcript NM_001203.3 (MANE Select); coding-DNA position 779, G replaced by T.
Protein change: p.Gly260Val; replaces glycine 260 with valine.
Molecular consequence: missense variant.
Genome position (GRCh38, 1-based): chr4:95,131,215, G>T. VCF-style: chr4-95131215-G-T. GRCh37 (hg19) VCF-style: chr4-96052366-G-T.
Other names: c.779G>T, p.Gly260Val (NM_001256792.2, NM_001256794.1); c.869G>T, p.Gly290Val (NM_001256793.2); short protein forms G260V, G290V.
Identifiers: ClinVar variation 3760147 (VCV003760147.2), dbSNP rs1268550390.

ClinVar aggregate classification (germline): Uncertain significance (1 of 4 stars; one submission).

Conditions:
Acromesomelic dysplasia 3 (AMD3). Also called: CHONDRODYSPLASIA, ACROMESOMELIC, WITH OR WITHOUT GENITAL ANOMALIES; Acromesomelic dysplasia, Demirhan type. Identifiers: MedGen C4225404, MONDO:0012274, OMIM 609441.
Type A2 brachydactyly (BDA2). Also called: BRACHYMESOPHALANGY II; MOHR-WRIEDT TYPE BRACHYDACTYLY; Brachymesophalangy type 2. Identifiers: Orphanet 93396, MedGen C1832702, MONDO:0007216, OMIM 112600, HP:0009372.

gnomAD v4.1: 8 of 1,612,942 alleles (0.0005%); highest among the groups gnomAD compares: Non-Finnish European, 0.00059%; no homozygotes.

Submission:

Labcorp Genetics (formerly Invitae), Labcorp
Classification: Uncertain significance for Type A2 brachydactyly; Acromesomelic dysplasia 3. Last evaluated: 2024-11-09. Review status: criteria provided, single submitter. Criteria: Invitae Variant Classification Sherloc (09022015). Collection method: clinical testing. Allele origin: germline.
Comment: This sequence change replaces glycine, which is neutral and non-polar, with valine, which is neutral and non-polar, at codon 260 of the BMPR1B protein (p.Gly260Val). This variant is not present in population databases (gnomAD no frequency). This variant has not been reported in the literature in individuals affected with BMPR1B-related conditions. An algorithm developed to predict the effect of missense changes on protein structure and function (PolyPhen-2) suggests that this variant is likely to be disruptive. In summary, the available evidence is currently insufficient to determine the role of this variant in disease. Therefore, it has been classified as a Variant of Uncertain Significance.